The following is an entry in ClinVar:

NM_022168.4(IFIH1):c.663A>G (p.Glu221=)

Gene: IFIH1 (interferon induced with helicase C domain 1; minus strand). Cytogenetic location: 2q24.2.
Variant type: single nucleotide variant.
Coding change: c.663A>G on transcript NM_022168.4 (MANE Select); coding-DNA position 663, A replaced by G.
Protein change: p.Glu221=; no amino-acid change (glutamic acid 221 retained).
Molecular consequence: synonymous variant.
Genome position (GRCh38, 1-based): chr2:162,306,815, T>C on the plus strand (A>G on the coding strand, the complement: IFIH1 is on the minus strand). VCF-style: chr2-162306815-T-C. GRCh37 (hg19) VCF-style: chr2-163163325-T-C.
Identifiers: ClinVar variation 2651471 (VCV002651471.24), dbSNP rs2468992196, ClinGen allele CA429539556.

ClinVar aggregate classification (germline): Likely benign (1 of 4 stars; one submission).

Submission:

CeGaT Center for Human Genetics Tuebingen
Classification: Likely benign. Last evaluated: 2022-06-01. Review status: criteria provided, single submitter. Criteria: CeGaT Center For Human Genetics Tuebingen Variant Classification Criteria Version 2. Collection method: clinical testing. Allele origin: germline. Affected: yes. Observed: 1 variant allele.
Comment: IFIH1: PM2:Supporting, BP4, BP7